The following is an entry in ClinVar:

ClinVar aggregate classification (germline): Uncertain significance (1 of 4 stars; one submission).

Allele frequency attached by ClinVar (database versions not stated): gnomAD exomes 0.00001; gnomAD 0.00002; ExAC 0.00004.
gnomAD v4.1: 17 of 1,614,036 alleles (0.0011%); highest among the groups gnomAD compares: South Asian, 0.016%; no homozygotes.

Submission:

Labcorp Genetics (formerly Invitae), Labcorp
Classification: Uncertain significance. Last evaluated: 2024-01-27. Review status: criteria provided, single submitter. Criteria: Invitae Variant Classification Sherloc (09022015). Collection method: clinical testing. Allele origin: germline.
Comment: This sequence change replaces phenylalanine, which is neutral and non-polar, with leucine, which is neutral and non-polar, at codon 190 of the GSN protein (p.Phe190Leu). This variant is present in population databases (rs764421030, gnomAD 0.01%). This variant has not been reported in the literature in individuals affected with GSN-related conditions. ClinVar contains an entry for this variant (Variation ID: 1962378). Advanced modeling of protein sequence and biophysical properties (such as structural, functional, and spatial information, amino acid conservation, physicochemical variation, residue mobility, and thermodynamic stability) performed at Invitae indicates that this missense variant is not expected to disrupt GSN protein function with a negative predictive value of 80%. In summary, the available evidence is currently insufficient to determine the role of this variant in disease. Therefore, it has been classified as a Variant of Uncertain Significance.

NM_198252.3(GSN):c.415T>C (p.Phe139Leu)

Gene: GSN (gelsolin; plus strand). Cytogenetic location: 9q33.2.
Variant type: single nucleotide variant.
Coding change: c.415T>C on transcript NM_198252.3 (MANE Select); coding-DNA position 415, T replaced by C.
Protein change: p.Phe139Leu; replaces phenylalanine 139 with leucine.
Molecular consequence: missense variant. On other transcripts: 5 prime UTR variant (1).
Genome position (GRCh38, 1-based): chr9:121,310,747, T>C. VCF-style: chr9-121310747-T-C. GRCh37 (hg19) VCF-style: chr9-124073025-T-C.
Other names: c.568T>C, p.Phe190Leu (NM_000177.5); c.415T>C, p.Phe139Leu (NM_001127662.2, NM_001127664.2, NM_001127665.2 and 10 more transcripts); c.523T>C, p.Phe175Leu (NM_001127663.2); c.448T>C, p.Phe150Leu (NM_001127666.2, NM_001127667.2, NM_001353072.2 and 13 more transcripts); c.466T>C, p.Phe156Leu (NM_001258029.2); c.439T>C, p.Phe147Leu (NM_001258030.2); c.487T>C, p.Phe163Leu (NM_001353076.2); c.-240T>C (NM_001353078.2); short protein forms F156L, F163L, F175L, F190L, F147L, F139L, F150L.
Identifiers: ClinVar variation 1962378 (VCV001962378.5), dbSNP rs764421030, ClinGen allele CA5220883.
Genomic context (GRCh38, chr9:121,310,747, plus strand): 5'-GGAGGTGTGGCATCAGGATTCAAGCACGTGGTACCCAACGAGGTGGTGGTGCAGAGACTC[T>C]TCCAGGTCAAAGGGCGGCGTGTGGTCCGTGCCACCGAGGTACCTGTGTCCTGGGAGAGCT-3'
Protein context (NP_937895.1, residues 129-149): VPNEVVVQRL[Phe139Leu]QVKGRRVVRA